The following is an entry in ClinVar:

ClinVar aggregate classification (germline): Uncertain significance (1 of 4 stars; one submission).

Conditions:
Early Myoclonic Encephalopathy. Identifiers: MedGen C0270855.

Submission:

Labcorp Genetics (formerly Invitae), Labcorp
Classification: Uncertain significance for Early Myoclonic Encephalopathy. Last evaluated: 2021-12-05. Review status: criteria provided, single submitter. Criteria: Invitae Variant Classification Sherloc (09022015). Collection method: clinical testing. Allele origin: germline.
Comment: Advanced modeling of protein sequence and biophysical properties (such as structural, functional, and spatial information, amino acid conservation, physicochemical variation, residue mobility, and thermodynamic stability) performed at Invitae indicates that this missense variant is not expected to disrupt KCND2 protein function. In summary, the available evidence is currently insufficient to determine the role of this variant in disease. Therefore, it has been classified as a Variant of Uncertain Significance. This variant has not been reported in the literature in individuals affected with KCND2-related conditions. This variant is not present in population databases (gnomAD no frequency). This sequence change replaces alanine, which is neutral and non-polar, with glutamic acid, which is acidic and polar, at codon 6 of the KCND2 protein (p.Ala6Glu).

NM_012281.3(KCND2):c.17C>A (p.Ala6Glu)

Gene: KCND2 (potassium voltage-gated channel subfamily D member 2; plus strand). Cytogenetic location: 7q31.31.
Variant type: single nucleotide variant.
Coding change: c.17C>A on transcript NM_012281.3 (MANE Select); coding-DNA position 17, C replaced by A.
Protein change: p.Ala6Glu; replaces alanine 6 with glutamic acid.
Molecular consequence: missense variant.
Genome position (GRCh38, 1-based): chr7:120,274,649, C>A. VCF-style: chr7-120274649-C-A. GRCh37 (hg19) VCF-style: chr7-119914703-C-A.
Other names: short protein forms A6E.
Identifiers: ClinVar variation 1520541 (VCV001520541.6), dbSNP rs772953261, ClinGen allele CA369130656.